The following is an entry in ClinVar:

ClinVar aggregate classification (germline): Likely pathogenic. Review status: criteria provided, multiple submitters, no conflicts (2 of 4 stars). 2 submissions from 2 submitters: Likely pathogenic (2). Last evaluated 2024-05-16.

Conditions:
Merosin deficient congenital muscular dystrophy (MDC1A). Also called: Congenital Muscular Dystrophy Type 1A (MDC1A); Congenital merosin-deficient muscular dystrophy 1A. Identifiers: Orphanet 258, MedGen C1263858, MONDO:0011925, OMIM 607855.
Muscular dystrophy, limb-girdle, autosomal recessive 23. Identifiers: Orphanet 565837, MedGen C4748327, MONDO:0029136, OMIM 618138.
LAMA2-related muscular dystrophy (LAMA2-RD). Also called: Laminin alpha 2-related dystrophy. Identifiers: MedGen C5679788, MONDO:0100228.

Submissions (2):

Fulgent Genetics
Classification: Likely pathogenic for Merosin deficient congenital muscular dystrophy; Muscular dystrophy, limb-girdle, autosomal recessive 23. Last evaluated: 2024-05-16. Review status: criteria provided, single submitter. Criteria: ACMG Guidelines, 2015. Collection method: clinical testing. Allele origin: germline.

Myriad Genetics, Inc.
Classification: Likely pathogenic for LAMA2-related muscular dystrophy. Last evaluated: 2022-01-27. Review status: criteria provided, single submitter. Criteria: Myriad Autosomal Dominant, Autosomal Recessive and X-Linked Classification Criteria (2023). Collection method: clinical testing. Allele origin: unknown.
Comment: NM_000426.3(LAMA2):c.6687G>A(W2229*) is expected to be pathogenic in the context of muscular dystrophy, LAMA2-related. This variant is predicted to lead to an abnormal or absent protein product due to the creation of a premature termination codon in LAMA2, a gene where loss-of-function variants are known to be pathogenic. Please note: this variant was assessed in the context of healthy population screening.

NM_000426.4(LAMA2):c.6687G>A (p.Trp2229Ter)

Gene: LAMA2 (laminin subunit alpha 2; plus strand). Cytogenetic location: 6q22.33.
Variant type: single nucleotide variant.
Coding change: c.6687G>A on transcript NM_000426.4 (MANE Select); coding-DNA position 6687, G replaced by A.
Protein change: p.Trp2229Ter; replaces tryptophan 2229 with a stop codon.
Molecular consequence: nonsense.
Genome position (GRCh38, 1-based): chr6:129,454,268, G>A. VCF-style: chr6-129454268-G-A. GRCh37 (hg19) VCF-style: chr6-129775413-G-A.
Other names: c.6687G>A, p.Trp2229Ter (NM_001079823.2); short protein forms W2229*.
Identifiers: ClinVar variation 1724133 (VCV001724133.4), dbSNP rs2533419466, ClinGen allele CA365617294.